The following is an entry in ClinVar:

NM_000136.3(FANCC):c.919G>C (p.Gly307Arg)

Genes: AOPEP (aminopeptidase O (putative); plus strand), FANCC (FA complementation group C; minus strand). Cytogenetic location: 9q22.32.
Variant type: single nucleotide variant.
Coding change: c.919G>C on transcript NM_000136.3 (MANE Select); coding-DNA position 919, G replaced by C.
Protein change: p.Gly307Arg; replaces glycine 307 with arginine.
Molecular consequence: missense variant.
Genome position (GRCh38, 1-based): chr9:95,125,163, C>G on the plus strand (G>C on the coding strand, the complement: FANCC is on the minus strand). VCF-style: chr9-95125163-C-G. GRCh37 (hg19) VCF-style: chr9-97887445-C-G.
Other names: c.919G>C, p.Gly307Arg (NM_001243743.2, NM_001243744.2); short protein forms G307R.
Identifiers: ClinVar variation 4842788 (VCV004842788.1).
Genomic context (GRCh38, chr9:95,125,163, plus strand): 5'-CCAGAGCTTCTACAAAGCACTGCGTAAACACCTGAATAGTGGCTATGATTTCCAGGGCCC[C>G]ATCGGTTTCCAGGAGTGCACACCTGAACAATGCAAAGTCAGATCAGAACACGTTTAACAA-3'
Protein context (NP_000127.2, residues 297-317): MFRCALLETD[Gly307Arg]ALEIIATIQV

ClinVar aggregate classification (germline): Uncertain significance (1 of 4 stars; one submission).

Conditions:
Hereditary cancer-predisposing syndrome. Also called: Neoplastic Syndromes, Hereditary; Tumor predisposition; Hereditary Cancer Syndrome; Hereditary neoplastic syndrome. Identifiers: Orphanet 140162, MedGen C0027672, MeSH D009386, MONDO:0015356.

Submission:

Ambry Genetics
Classification: Uncertain significance for Hereditary cancer-predisposing syndrome. Last evaluated: 2026-01-03. Review status: criteria provided, single submitter. Criteria: Ambry Variant Classification Scheme 2023. Collection method: clinical testing. Allele origin: germline.
Comment: The p.G307R variant (also known as c.919G>C), located in coding exon 9 of the FANCC gene, results from a G to C substitution at nucleotide position 919. The glycine at codon 307 is replaced by arginine, an amino acid with dissimilar properties. This amino acid position is conserved. In addition, this alteration is predicted to be deleterious by in silico analysis. Based on the available evidence, the clinical significance of this variant remains unclear.